The following is an entry in ClinVar:

NM_000256.3(MYBPC3):c.2792dup (p.Lys932fs)

Gene: MYBPC3 (myosin binding protein C3; minus strand). Cytogenetic location: 11p11.2.
Variant type: Duplication.
Coding change: c.2792dup on transcript NM_000256.3 (MANE Select); coding-DNA position 2792, one base duplicated (T; older notation c.2792dupT).
Protein change: p.Lys932fs; shifts the reading frame from lysine 932.
Molecular consequence: frameshift variant.
Genome position (GRCh38, 1-based): chr11:47,335,155, A duplicated on the plus strand (T on the coding strand, the reverse complement: MYBPC3 is on the minus strand). VCF-style (leftmost placement, unchanged base first): chr11-47335154-C-CA. GRCh37 (hg19) VCF-style: chr11-47356705-C-CA.
Other names: c.2792dupT (NM_000256.3); c.2792dup, p.Lys932fs (LRG_386t1); short protein forms K932fs.
Identifiers: ClinVar variation 181152 (VCV000181152.3), dbSNP rs730880716, ClinGen allele CA296493.

ClinVar aggregate classification (germline): Pathogenic/Likely pathogenic. Review status: criteria provided, multiple submitters, no conflicts (2 of 4 stars). 2 submissions from 2 submitters: Pathogenic (1); Likely pathogenic (1). Last evaluated 2018-01-04.

Submissions (2):

GeneDx
Classification: Pathogenic. Last evaluated: 2018-01-04. Review status: criteria provided, single submitter. Criteria: GeneDx Variant Classification (06012015). Collection method: clinical testing. Allele origin: germline. Affected: yes.
Comment: Although the c.2792dupT pathogenic variant in the MYBPC3 gene has not been reported to ourknowledge, this variant causes a shift in reading frame starting at codon Lysine 932, changing it to aGlutamic adic, and creating a premature stop codon at position 119 of the new reading frame, denotedp.Lys932GlufsX119. This pathogenic variant is expected to result in either an abnormal, truncatedprotein product or loss of protein from this allele through nonsense-mediated mRNA decay. Otherframeshift variants in the MYBPC3 gene have been reported in HGMD in association with HCM(Stenson et al., 2014). Furthermore, the c.2792dupT variant was not observed in approximately 6,100individuals of European and African American ancestry in the NHLBI Exome Sequencing Project,indicating it is not a common benign variant in these populations.In summary, c.2792dupT in the MYBPC3 gene is interpreted as a pathogenic variant.

Stanford Center for Inherited Cardiovascular Disease, Stanford University
Classification: Likely pathogenic. Last evaluated: 2013-07-10. Review status: criteria provided, single submitter. Criteria: ACMG Guidelines, 2015. Collection method: provider interpretation. Allele origin: germline.